The following is an entry in ClinVar:

ClinVar aggregate classification (germline): Benign/Likely benign. Review status: criteria provided, multiple submitters, no conflicts (2 of 4 stars). 4 submissions from 4 submitters: Benign (2); Likely benign (1). 1 of the submissions does not count toward it. Last evaluated 2025-12-06.

Conditions:
VAC14-related disorder. Also called: VAC14-related condition.

Allele frequency attached by ClinVar (database versions not stated): gnomAD exomes 0.00009 and 0.00026; ExAC 0.00035; ESP Exome Variant Server 0.00085; gnomAD 0.00110 and 0.00113; TOPMed 0.00117; 1000 Genomes Project 30x 0.00156; 1000 Genomes Project 0.00160.
gnomAD v4.1: 304 of 1,609,696 alleles (0.019%); highest among the groups gnomAD compares: African/African-American, 0.31%; no homozygotes.

Submissions (4):

Labcorp Genetics (formerly Invitae), Labcorp
Classification: Benign. Last evaluated: 2025-12-06. Review status: criteria provided, single submitter. Criteria: Invitae Variant Classification Sherloc (09022015). Collection method: clinical testing. Allele origin: germline.

Blueprint Genetics
Classification: Likely benign. Last evaluated: 2024-11-23. Review status: criteria provided, single submitter. Criteria: ACMG Guidelines, 2015. Collection method: clinical testing. Allele origin: germline.

Breakthrough Genomics
Classification: Benign. Review status: criteria provided, single submitter. Criteria: ACMG Guidelines, 2015. Collection method: not provided. Allele origin: germline. Inheritance: Autosomal recessive inheritance. Affected: yes.

PreventionGenetics, part of Exact Sciences
Classification: Likely benign for VAC14-related condition. Last evaluated: 2019-05-20. Review status: no assertion criteria provided. Collection method: clinical testing. Allele origin: germline. Not counted in ClinVar's aggregate classification.
Comment: This variant is classified as likely benign based on ACMG/AMP sequence variant interpretation guidelines (Richards et al. 2015 PMID: 25741868, with internal and published modifications).

NM_018052.5(VAC14):c.63G>A (p.Lys21=)

Gene: VAC14 (VAC14 component of PIKFYVE complex; minus strand). Cytogenetic location: 16q22.2.
Variant type: single nucleotide variant.
Coding change: c.63G>A on transcript NM_018052.5 (MANE Select); coding-DNA position 63, G replaced by A.
Protein change: p.Lys21=; no amino-acid change (lysine 21 retained).
Molecular consequence: synonymous variant. On other transcripts: 5 prime UTR variant (1).
Genome position (GRCh38, 1-based): chr16:70,800,838, C>T on the plus strand (G>A on the coding strand, the complement: VAC14 is on the minus strand). VCF-style: chr16-70800838-C-T. GRCh37 (hg19) VCF-style: chr16-70834741-C-T.
Other names: c.-489G>A (NM_001351157.2).
Identifiers: ClinVar variation 747460 (VCV000747460.13), dbSNP rs143063911, ClinGen allele CA8148221.
Genomic context (GRCh38, chr16:70,800,838, plus strand): 5'-GGGTCCTGGCGGCTCTTACTTCTCGATCTCCAGCGCTGCCACCTTCCGCTTTTCGTACAG[C>T]TTGTCATTGAGGGCGCGCACGATGTTAGGCGTGAGCGGCGCGAAATCCTTCTCGGGGTTC-3'
Protein context (NP_060522.3, residues 11-31): TPNIVRALND[Lys21=]LYEKRKVAAL